The following is an entry in ClinVar:

NM_002109.6(HARS1):c.952A>T (p.Ile318Phe)

Gene: HARS1 (histidyl-tRNA synthetase 1; minus strand). Cytogenetic location: 5q31.3.
Variant type: single nucleotide variant.
Coding change: c.952A>T on transcript NM_002109.6 (MANE Select); coding-DNA position 952, A replaced by T.
Protein change: p.Ile318Phe; replaces isoleucine 318 with phenylalanine.
Molecular consequence: missense variant.
Genome position (GRCh38, 1-based): chr5:140,676,896, T>A on the plus strand (A>T on the coding strand, the complement: HARS1 is on the minus strand). VCF-style: chr5-140676896-T-A. GRCh37 (hg19) VCF-style: chr5-140056481-T-A.
Other names: c.832A>T, p.Ile278Phe (NM_001258040.3); c.892A>T, p.Ile298Phe (NM_001258041.3); c.772A>T, p.Ile258Phe (NM_001258042.3); c.730A>T, p.Ile244Phe (NM_001289092.2); c.610A>T, p.Ile204Phe (NM_001289093.2); c.865A>T, p.Ile289Phe (NM_001289094.2); c.952A>T (NM_002109.5); short protein forms I244F, I318F, I278F, I298F, I204F, I289F, I258F.
Identifiers: ClinVar variation 1959339 (VCV001959339.6), dbSNP rs2481248285, ClinGen allele CA361252219.
Genomic context (GRCh38, chr5:140,676,896, plus strand): 5'-CCTCATAGATCACCCCAGTGTAGTAATCCAGCCCTCGAGCAAGGCTCAGGTCAAAGGAGA[T>A]CTGTGGAGATAAGAAAATGGTCAGTGCCAGATTAAGATCAGGGACCTGAAGCCCCAGAGC-3'
Protein context (NP_002100.2, residues 308-328): YLTLFGIDDK[Ile318Phe]SFDLSLARGL

ClinVar aggregate classification (germline): Uncertain significance. Review status: criteria provided, multiple submitters, no conflicts (2 of 4 stars). 2 submissions from 2 submitters: Uncertain significance (2). Last evaluated 2024-01-30.

Conditions:
Usher syndrome type 3B. Also called: USHER SYNDROME, TYPE IIIB. Identifiers: MedGen C3281066, MONDO:0013788, OMIM 614504.

Submissions (2):

GeneDx
Classification: Uncertain significance. Last evaluated: 2024-01-30. Review status: criteria provided, single submitter. Criteria: GeneDx Variant Classification Process June 2021. Collection method: clinical testing. Allele origin: germline. Affected: yes.
Comment: Not observed at significant frequency in large population cohorts (gnomAD); In silico analysis supports that this missense variant has a deleterious effect on protein structure/function; Has not been previously published as pathogenic or benign to our knowledge

Labcorp Genetics (formerly Invitae), Labcorp
Classification: Uncertain significance for Usher syndrome type 3B. Last evaluated: 2023-10-05. Review status: criteria provided, single submitter. Criteria: Invitae Variant Classification Sherloc (09022015). Collection method: clinical testing. Allele origin: germline.
Comment: This sequence change replaces isoleucine, which is neutral and non-polar, with phenylalanine, which is neutral and non-polar, at codon 318 of the HARS protein (p.Ile318Phe). This variant is not present in population databases (gnomAD no frequency). This variant has not been reported in the literature in individuals affected with HARS-related conditions. ClinVar contains an entry for this variant (Variation ID: 1959339). An algorithm developed to predict the effect of missense changes on protein structure and function (PolyPhen-2) suggests that this variant is likely to be disruptive. In summary, the available evidence is currently insufficient to determine the role of this variant in disease. Therefore, it has been classified as a Variant of Uncertain Significance.